The following is an entry in ClinVar:

NM_015909.4(NBAS):c.3752A>T (p.Gln1251Leu)

Gene: NBAS (NBAS subunit of NRZ tethering complex; minus strand). Cytogenetic location: 2p24.3.
Variant type: single nucleotide variant.
Coding change: c.3752A>T on transcript NM_015909.4 (MANE Select); coding-DNA position 3752, A replaced by T.
Protein change: p.Gln1251Leu; replaces glutamine 1251 with leucine.
Molecular consequence: missense variant. On other transcripts: non-coding transcript variant (1).
Genome position (GRCh38, 1-based): chr2:15,366,645, T>A on the plus strand (A>T on the coding strand, the complement: NBAS is on the minus strand). VCF-style: chr2-15366645-T-A. GRCh37 (hg19) VCF-style: chr2-15506769-T-A.
Other names: c.3752A>T (NM_015909.2); short protein forms Q1251L.
Identifiers: ClinVar variation 1992751 (VCV001992751.2), dbSNP rs1170510051, ClinGen allele CA345894426.

ClinVar aggregate classification (germline): Uncertain significance. Review status: criteria provided, multiple submitters, no conflicts (2 of 4 stars). 2 submissions from 2 submitters: Uncertain significance (2). Last evaluated 2024-04-01.

Conditions:
Inborn genetic diseases. Identifiers: MedGen C0950123, MeSH D030342.

Allele frequency attached by ClinVar (database versions not stated): gnomAD exomes below 0.00001; gnomAD 0.00002.
gnomAD v4.1: 6 of 1,613,994 alleles (0.00037%); highest among the groups gnomAD compares: African/African-American, 0.004%; no homozygotes.

Submissions (2):

Ambry Genetics
Classification: Uncertain significance for Inborn genetic diseases. Last evaluated: 2024-04-01. Review status: criteria provided, single submitter. Criteria: Ambry Variant Classification Scheme 2023. Collection method: clinical testing. Allele origin: germline.

Labcorp Genetics (formerly Invitae), Labcorp
Classification: Uncertain significance. Last evaluated: 2022-05-10. Review status: criteria provided, single submitter. Criteria: Invitae Variant Classification Sherloc (09022015). Collection method: clinical testing. Allele origin: germline.
Comment: This sequence change replaces glutamine, which is neutral and polar, with leucine, which is neutral and non-polar, at codon 1251 of the NBAS protein (p.Gln1251Leu). This variant is not present in population databases (gnomAD no frequency). This variant has not been reported in the literature in individuals affected with NBAS-related conditions. Algorithms developed to predict the effect of missense changes on protein structure and function are either unavailable or do not agree on the potential impact of this missense change (SIFT: "Deleterious"; PolyPhen-2: "Benign"; Align-GVGD: "Class C65"). In summary, the available evidence is currently insufficient to determine the role of this variant in disease. Therefore, it has been classified as a Variant of Uncertain Significance.